The following is an entry in ClinVar:

ClinVar aggregate classification (germline): Conflicting classifications of pathogenicity. Review status: criteria provided, conflicting classifications (1 of 4 stars). 9 submissions from 9 submitters: Uncertain significance (1); Benign (3); Likely benign (2). 3 of the submissions do not count toward it. Last evaluated 2025-11-24.

Conditions:
KMT2D-related disorder. Also called: KMT2D-Related Disorders.
Kabuki syndrome. Also called: NIIKAWA-KUROKI SYNDROME; Kabuki make-up syndrome. Identifiers: Orphanet 2322, MedGen C0796004, MONDO:0016512.

Allele frequency attached by ClinVar (database versions not stated): TOPMed 0.00005; gnomAD 0.00006 and 0.00009; gnomAD exomes 0.00011 and 0.00018; ExAC 0.00018; 1000 Genomes Project 30x 0.00062; 1000 Genomes Project 0.00080.
gnomAD v4.1: 183 of 1,613,922 alleles (0.011%); highest among the groups gnomAD compares: South Asian, 0.12%; 4 homozygotes.

Submissions (9):

Labcorp Genetics (formerly Invitae), Labcorp
Classification: Benign for Kabuki syndrome. Last evaluated: 2025-11-24. Review status: criteria provided, single submitter. Criteria: Invitae Variant Classification Sherloc (09022015). Collection method: clinical testing. Allele origin: germline.

CeGaT Center for Human Genetics Tuebingen
Classification: Likely benign. Last evaluated: 2025-11-01. Review status: criteria provided, single submitter. Criteria: CeGaT Center For Human Genetics Tuebingen Variant Classification Criteria Version 2. Collection method: clinical testing. Allele origin: germline. Affected: yes. Observed: 1 variant allele.
Comment: KMT2D: BP4, BP7

Blueprint Genetics
Classification: Likely benign. Last evaluated: 2024-08-13. Review status: criteria provided, single submitter. Criteria: ACMG Guidelines, 2015. Collection method: clinical testing. Allele origin: germline.

GeneDx
Classification: Benign. Last evaluated: 2019-10-29. Review status: criteria provided, single submitter. Criteria: GeneDx Variant Classification (06012015). Collection method: clinical testing. Allele origin: germline. Affected: yes.

Genetic Services Laboratory, University of Chicago
Classification: Benign. Last evaluated: 2016-08-08. Review status: criteria provided, single submitter. Criteria: ACMG Guidelines, 2015. Collection method: clinical testing. Allele origin: germline. Affected: no.

Eurofins Ntd Llc (ga)
Classification: Uncertain significance. Last evaluated: 2012-09-14. Review status: criteria provided, single submitter. Criteria: EGL Classification Definitions 2015. Collection method: clinical testing. Allele origin: germline. Observed: 1 variant allele, 1 heterozygote.

PreventionGenetics, part of Exact Sciences
Classification: Likely benign for KMT2D-related condition. Last evaluated: 2021-06-01. Review status: no assertion criteria provided. Collection method: clinical testing. Allele origin: germline. Not counted in ClinVar's aggregate classification.
Comment: This variant is classified as likely benign based on ACMG/AMP sequence variant interpretation guidelines (Richards et al. 2015 PMID: 25741868, with internal and published modifications).

Clinical Genetics DNA and cytogenetics Diagnostics Lab, Erasmus MC, Erasmus Medical Center
Classification: Likely benign. Review status: no assertion criteria provided. Collection method: clinical testing. Allele origin: germline. Affected: yes. Study: VKGL Data-share Consensus. Not counted in ClinVar's aggregate classification.

Genome Diagnostics Laboratory, University Medical Center Utrecht
Classification: Likely benign. Review status: no assertion criteria provided. Collection method: clinical testing. Allele origin: germline. Affected: yes. Study: VKGL Data-share Consensus. Not counted in ClinVar's aggregate classification.

NM_003482.4(KMT2D):c.4986C>T (p.Cys1662=)

Gene: KMT2D (lysine methyltransferase 2D; minus strand). Cytogenetic location: 12q13.12.
Variant type: single nucleotide variant.
Coding change: c.4986C>T on transcript NM_003482.4 (MANE Select); coding-DNA position 4986, C replaced by T.
Protein change: p.Cys1662=; no amino-acid change (cysteine 1662 retained).
Molecular consequence: synonymous variant.
Genome position (GRCh38, 1-based): chr12:49,044,500, G>A on the plus strand (C>T on the coding strand, the complement: KMT2D is on the minus strand). VCF-style: chr12-49044500-G-A. GRCh37 (hg19) VCF-style: chr12-49438283-G-A.
Identifiers: ClinVar variation 94221 (VCV000094221.31), dbSNP rs143063879, ClinGen allele CA222083.